The following is an entry in ClinVar:

ClinVar aggregate classification (germline): Uncertain significance (1 of 4 stars; one submission).

Conditions:
Heterotaxy, visceral, 5, autosomal (HTX5). Also called: Heterotaxy, visceral, 5. Identifiers: Orphanet 450, MedGen C3495537, MONDO:0700112, OMIM 270100.

Allele frequency attached by ClinVar (database versions not stated): gnomAD 0.00001; TOPMed 0.00002; gnomAD exomes 0.00005 and 0.00010; ExAC 0.00023.
gnomAD v4.1: 73 of 1,611,972 alleles (0.0045%); highest among the groups gnomAD compares: Non-Finnish European, 0.0052%; no homozygotes.

Submission:

Labcorp Genetics (formerly Invitae), Labcorp
Classification: Uncertain significance for Heterotaxy, visceral, 5, autosomal. Last evaluated: 2021-11-28. Review status: criteria provided, single submitter. Criteria: Invitae Variant Classification Sherloc (09022015). Collection method: clinical testing. Allele origin: germline.
Comment: This sequence change replaces proline, which is neutral and non-polar, with leucine, which is neutral and non-polar, at codon 290 of the NODAL protein (p.Pro290Leu). In summary, the available evidence is currently insufficient to determine the role of this variant in disease. Therefore, it has been classified as a Variant of Uncertain Significance. Algorithms developed to predict the effect of missense changes on protein structure and function (SIFT, PolyPhen-2, Align-GVGD) all suggest that this variant is likely to be disruptive. This variant has not been reported in the literature in individuals affected with NODAL-related conditions. This variant is present in population databases (rs757713122, gnomAD 0.02%).

NM_018055.5(NODAL):c.869C>T (p.Pro290Leu)

Gene: NODAL (nodal growth differentiation factor; minus strand). Cytogenetic location: 10q22.1.
Variant type: single nucleotide variant.
Coding change: c.869C>T on transcript NM_018055.5 (MANE Select); coding-DNA position 869, C replaced by T.
Protein change: p.Pro290Leu; replaces proline 290 with leucine.
Molecular consequence: missense variant.
Genome position (GRCh38, 1-based): chr10:70,435,308, G>A on the plus strand (C>T on the coding strand, the complement: NODAL is on the minus strand). VCF-style: chr10-70435308-G-A. GRCh37 (hg19) VCF-style: chr10-72195064-G-A.
Other names: c.470C>T, p.Pro157Leu (NM_001329906.2); short protein forms P157L, P290L.
Identifiers: ClinVar variation 1423390 (VCV001423390.6), dbSNP rs757713122, ClinGen allele CA5537523.
Genomic context (GRCh38, chr10:70,435,308, plus strand): 5'-CTTACTGCCTCCCCTCCCCCTCACGCCTGGCATCCCACCTGGATGTATGCATGGTTGGTC[G>A]GATGAAACTCCTCCCCAACAGGATTAGGACACTCGCCCTCACAGCGATAGGCGTTGTACT-3'
Protein context (NP_060525.3, residues 280-300): CPNPVGEEFH[Pro290Leu]TNHAYIQSLL